The following is an entry in ClinVar:

ClinVar aggregate classification (germline): Uncertain significance (1 of 4 stars; one submission).

gnomAD v4.1: 3 of 1,607,864 alleles (0.00019%); highest among the groups gnomAD compares: East Asian, 0.0045%; no homozygotes.

Submission:

GeneDx
Classification: Uncertain significance. Last evaluated: 2023-07-02. Review status: criteria provided, single submitter. Criteria: GeneDx Variant Classification Process June 2021. Collection method: clinical testing. Allele origin: germline. Affected: yes.
Comment: In silico analysis supports that this missense variant has a deleterious effect on protein structure/function; Has not been previously published as pathogenic or benign to our knowledge

NM_001244008.2(KIF1A):c.4802C>T (p.Ala1601Val)

Gene: KIF1A (kinesin family member 1A; minus strand). Cytogenetic location: 2q37.3.
Variant type: single nucleotide variant.
Coding change: c.4802C>T on transcript NM_001244008.2 (MANE Select); coding-DNA position 4802, C replaced by T.
Protein change: p.Ala1601Val; replaces alanine 1601 with valine.
Molecular consequence: missense variant.
Genome position (GRCh38, 1-based): chr2:240,720,980, G>A on the plus strand (C>T on the coding strand, the complement: KIF1A is on the minus strand). VCF-style: chr2-240720980-G-A. GRCh37 (hg19) VCF-style: chr2-241660397-G-A.
Other names: c.4526C>T, p.Ala1509Val (NM_001320705.2, NM_001379649.1); c.4553C>T, p.Ala1518Val (NM_001330289.2); c.4601C>T, p.Ala1534Val (NM_001330290.2, NM_001379648.1); c.4877C>T, p.Ala1626Val (NM_001379631.1); c.4778C>T, p.Ala1593Val (NM_001379632.1); c.4775C>T, p.Ala1592Val (NM_001379633.1, NM_001379645.1); c.4628C>T, p.Ala1543Val (NM_001379634.1); c.4625C>T, p.Ala1542Val (NM_001379635.1, NM_001379646.1); and 7 more; short protein forms A1499V, A1500V, A1508V, A1509V, A1517V, A1518V, A1525V, A1534V.
Identifiers: ClinVar variation 3360253 (VCV003360253.1).